The following is an entry in ClinVar:

ClinVar aggregate classification (germline): Pathogenic. Review status: criteria provided, multiple submitters, no conflicts (2 of 4 stars). 3 submissions from 3 submitters: Pathogenic (2). 1 of the submissions does not count toward it. Last evaluated 2025-06-19.

Conditions:
Emery-Dreifuss muscular dystrophy (EDMD). Also called: Scapuloperoneal syndrome, X-linked (formerly); Humeroperoneal neuromuscular disease, (formerly). Identifiers: Orphanet 261, MedGen C0410189, MONDO:0016830.
X-linked Emery-Dreifuss muscular dystrophy. Also called: Muscular dystrophy, tardive Emery-Dreifuss type, with contractures. Identifiers: Orphanet 261, Orphanet 98863, MedGen C0751337, MONDO:0010680.

Submissions (4):

Natera, Inc.
Classification: Pathogenic for Emery-Dreifuss muscular dystrophy. Last evaluated: 2025-06-19. Review status: criteria provided, single submitter. Criteria: Natera Variant Classification Schema (03/2026). Collection method: clinical testing. Allele origin: germline.
Comment: The c.399+1G>T variant in EMD is a canonical splice donor site variant predicted to affect pre-mRNA splicing, which may result in an abnormal transcript and altered protein product. This variant is expected to result in nonsense mediated decay, truncation, or a dysfunctional protein product. This variant is rare in the general population with a frequency below the threshold expected for the associated phenotype(s). This variant has been observed in affected individual(s) with monoallelic occurrence (heterozygous/hemizygous) (PMID: 39634247). Additionally, this variant has been observed to segregate in affected family members (PMID: 39634247). Given the available evidence, this variant is classified as Pathogenic.

Labcorp Genetics (formerly Invitae), Labcorp
Classification: Pathogenic for X-linked Emery-Dreifuss muscular dystrophy. Last evaluated: 2021-05-13. Review status: criteria provided, single submitter. Criteria: Invitae Variant Classification Sherloc (09022015). Collection method: clinical testing. Allele origin: germline.
Comment: For these reasons, this variant has been classified as Pathogenic. Algorithms developed to predict the effect of sequence changes on RNA splicing suggest that this variant may disrupt the consensus splice site, but this prediction has not been confirmed by published transcriptional studies. Disruption of this splice site has been observed in individual(s) with Emery–Dreifuss muscular dystrophy (PMID: 9536090). This variant is not present in population databases (ExAC no frequency). This sequence change affects a donor splice site in intron 4 of the EMD gene. It is expected to disrupt RNA splicing. Variants that disrupt the donor or acceptor splice site typically lead to a loss of protein function (PMID: 16199547), and loss-of-function variants in EMD are known to be pathogenic (PMID: 24365856).

Department of Medical Genetics, National Institute of Health
Classification: Pathogenic for Emery-Dreifuss muscular dystrophy 1, X-linked. Last evaluated: 2022-08-19. Review status: no assertion criteria provided. Collection method: clinical testing. Allele origin: maternal. Inheritance: X-linked recessive inheritance. Affected: yes. Observed: 1 hemizygote. Not counted in ClinVar's aggregate classification.
Comment: NGS sequencing of a custom gene panel lead to the identification of a deleterious hemizygous splicing mutation, NM_000117.3(EMD):c.399+1G>T in the EMD gene. This splice variant identified was only once reported in Clinvar in a patient with EDMD condition.

Dr. Peter K. Rogan Lab, Western University
No classification provided (evidence only). Condition: Nonpapillary renal cell carcinoma. Review status: no classification provided. Collection method: in vitro. Allele origin: not applicable. Functional consequence: retained intron. Not counted in ClinVar's aggregate classification.

Literature cited by the submitters: PubMed 39634247 (cited by Natera, Inc.); PubMed 9536090 (cited by Labcorp Genetics (formerly Invitae), Labcorp); PubMed 16199547 (cited by Labcorp Genetics (formerly Invitae), Labcorp); PubMed 24365856 (cited by Labcorp Genetics (formerly Invitae), Labcorp).

NM_000117.3(EMD):c.399+1G>T

Gene: EMD (emerin; plus strand). Cytogenetic location: Xq28.
Variant type: single nucleotide variant.
Coding change: c.399+1G>T on transcript NM_000117.3 (MANE Select); the canonical splice donor site of the intron after coding-DNA position 399, G replaced by T.
Molecular consequence: splice donor variant.
Genome position (GRCh38, 1-based): chrX:154,380,368, G>T. VCF-style: chrX-154380368-G-T. GRCh37 (hg19) VCF-style: chrX-153608728-G-T.
Other names: c.399+1G>T (NM_000117.2).
Identifiers: ClinVar variation 1453367 (VCV001453367.35), dbSNP rs2148128554, ClinGen allele CA415258081.